The following is an entry in ClinVar:

NM_001111125.3(IQSEC2):c.3956A>T (p.His1319Leu)

Gene: IQSEC2 (IQ motif and Sec7 domain ArfGEF 2; minus strand). Cytogenetic location: Xp11.22.
Variant type: single nucleotide variant.
Coding change: c.3956A>T on transcript NM_001111125.3 (MANE Select); coding-DNA position 3956, A replaced by T.
Protein change: p.His1319Leu; replaces histidine 1319 with leucine.
Molecular consequence: missense variant. On other transcripts: 3 prime UTR variant (4), intron variant (2).
Genome position (GRCh38, 1-based): chrX:53,234,730, T>A on the plus strand (A>T on the coding strand, the complement: IQSEC2 is on the minus strand). VCF-style: chrX-53234730-T-A. GRCh37 (hg19) VCF-style: chrX-53263912-T-A.
Other names: c.*441A>T (NM_001410736.1, NM_001441093.1, NM_001441094.1 and 1 more transcripts); c.3451+1592A>T (NM_001441092.1); c.2740+1592A>T (NM_001441095.1); short protein forms H1319L.
Identifiers: ClinVar variation 5003134 (VCV005003134.1).

ClinVar aggregate classification (germline): Uncertain significance (1 of 4 stars; one submission).

Submission:

OLLIN Analises Genomicas, OLLIN
Classification: Uncertain significance. Last evaluated: 2026-08-06. Review status: criteria provided, single submitter. Criteria: ACMG Guidelines 2015 PMID 25741868. Collection method: clinical testing. Allele origin: germline.
Comment: This missense variant, located in exon 15 (of 15), is absent from gnomAD and ClinVar and has not been identified in the literature. In silico analysis predicts that this variant has a tolerated effect. This gene is constrained for missense variation. According to the currently available evidence, this variant has been classified as uncertain significance (PM2_P, PP2, BP4_M).